The following is an entry in ClinVar:

NM_018122.5(DARS2):c.1837C>T (p.Leu613Phe)

Gene: DARS2 (aspartyl-tRNA synthetase 2, mitochondrial; plus strand). Cytogenetic location: 1q25.1.
Variant type: single nucleotide variant.
Coding change: c.1837C>T on transcript NM_018122.5 (MANE Select); coding-DNA position 1837, C replaced by T.
Protein change: p.Leu613Phe; replaces leucine 613 with phenylalanine.
Molecular consequence: missense variant.
Genome position (GRCh38, 1-based): chr1:173,857,604, C>T. VCF-style: chr1-173857604-C-T. GRCh37 (hg19) VCF-style: chr1-173826742-C-T.
Other names: NM_018122.5(DARS2):c.1837C>T; c.1684C>T, p.Leu562Phe (NM_001365212.1); short protein forms L613F, L562F.
Identifiers: ClinVar variation 1066 (VCV000001066.2), dbSNP rs121918212, ClinGen allele CA251684.

ClinVar aggregate classification (germline): Uncertain significance. Review status: criteria provided, single submitter (1 of 4 stars). 2 submissions from 2 submitters: Uncertain significance (1). 1 of the submissions does not count toward it. Last evaluated 2025-01-22.

Conditions:
Leukoencephalopathy with brain stem and spinal cord involvement-high lactate syndrome (LBSL). Also called: MITOCHONDRIAL ASPARTYL-tRNA SYNTHETASE DEFICIENCY; Leukoencephalopathy with Brainstem and Spinal Cord Involvement and Lactate Elevation; LEUKOENCEPHALOPATHY WITH BRAINSTEM AND SPINAL CORD INVOLVEMENT AND LACTATE ELEVATION, MILD. Identifiers: Orphanet 137898, MedGen C1970180, MONDO:0012622, OMIM 611105.

Allele frequency attached by ClinVar (database versions not stated): gnomAD exomes below 0.00001 and 0.00001; TOPMed below 0.00001; gnomAD 0.00001.
gnomAD v4.1: 4 of 1,614,042 alleles (0.00025%); highest among the groups gnomAD compares: African/African-American, 0.004%; no homozygotes.

Submissions (2):

Broad Center for Mendelian Genomics, Broad Institute of MIT and Harvard
Classification: Uncertain significance for Leukoencephalopathy with brain stem and spinal cord involvement-high lactate syndrome. Last evaluated: 2025-01-22. Review status: criteria provided, single submitter. Criteria: ACMG Guidelines, 2015. Collection method: curation. Allele origin: germline. Inheritance: Autosomal recessive inheritance.
Comment: The p.Leu613Phe variant in DARS2 has been reported in 1 individual with leukoencephalopathy with brain stem and spinal cord involvement-high lactate syndrome (PMID: 17384640), and has been identified in 0.004% (3/74918) of African/African American chromosomes by the Genome Aggregation Database (gnomAD; dbSNP rs121918212). Although this variant has been seen in the general population in a heterozygous state, its frequency is low enough to be consistent with a recessive carrier frequency. This variant has also been reported in ClinVar (Variation ID: 1066) and has been interpreted as pathogenic by OMIM. In vitro functional studies provide some evidence that the p.Leu613Phe variant may not impact protein function (PMID: 23216004). However, these types of assays may not accurately represent biological function. Computational tools and prediction analyses suggest that this variant may impact the protein, though this information is not predictive enough to determine pathogenicity. In summary, the clinical significance of the p.Leu613Phe variant is uncertain. ACMG/AMP Criteria applied: PP3_moderate, BS3_supporting, PM2_supporting (Richards 2015).

OMIM
Classification: Pathogenic for LEUKOENCEPHALOPATHY WITH BRAINSTEM AND SPINAL CORD INVOLVEMENT AND LACTATE ELEVATION. Last evaluated: 2007-04-01. Review status: no assertion criteria provided. Collection method: literature only. Allele origin: germline. Not counted in ClinVar's aggregate classification.

Literature cited by the submitters: PubMed 23216004 (cited by Broad Center for Mendelian Genomics, Broad Institute of MIT and Harvard); PubMed 17384640 (cited by OMIM).